The following is an entry in ClinVar:

ClinVar aggregate classification (germline): Uncertain significance. Review status: criteria provided, multiple submitters, no conflicts (2 of 4 stars). 4 submissions from 4 submitters: Uncertain significance (3). 1 of the submissions does not count toward it. Last evaluated 2025-01-23.

Conditions:
Inborn genetic diseases. Identifiers: MedGen C0950123, MeSH D030342.
Kostmann syndrome (SCN3). Also called: KOSTMANN DISEASE; Autosomal recessive severe congenital neutropenia type 3. Identifiers: Orphanet 99749, MedGen C5235141, MONDO:0012548, OMIM 610738.

Allele frequency attached by ClinVar (database versions not stated): gnomAD 0.00001; TOPMed 0.00002; ExAC 0.00003.

Submissions (4):

Ambry Genetics
Classification: Uncertain significance for Inborn genetic diseases. Last evaluated: 2025-01-23. Review status: criteria provided, single submitter. Criteria: Ambry Variant Classification Scheme 2023. Collection method: clinical testing. Allele origin: germline.

Labcorp Genetics (formerly Invitae), Labcorp
Classification: Uncertain significance for Kostmann syndrome. Last evaluated: 2022-09-21. Review status: criteria provided, single submitter. Criteria: Invitae Variant Classification Sherloc (09022015). Collection method: clinical testing. Allele origin: germline.
Comment: This sequence change replaces arginine, which is basic and polar, with serine, which is neutral and polar, at codon 50 of the HAX1 protein (p.Arg50Ser). This variant is present in population databases (rs762584289, gnomAD 0.02%). This variant has not been reported in the literature in individuals affected with HAX1-related conditions. ClinVar contains an entry for this variant (Variation ID: 1020543). Algorithms developed to predict the effect of missense changes on protein structure and function (SIFT, PolyPhen-2, Align-GVGD) all suggest that this variant is likely to be tolerated. In summary, the available evidence is currently insufficient to determine the role of this variant in disease. Therefore, it has been classified as a Variant of Uncertain Significance.

Genetic Services Laboratory, University of Chicago
Classification: Uncertain significance. Last evaluated: 2021-09-20. Review status: criteria provided, single submitter. Criteria: ACMG Guidelines, 2015. Collection method: clinical testing. Allele origin: germline. Affected: no.
Comment: DNA sequence analysis of the HAX1 gene demonstrated a sequence change, c.150G>T, in exon 2 that results in an amino acid change, p.Arg50Ser. This sequence change does not appear to have been previously described in individuals with HAX1-related disorders. This sequence change has been described in the gnomAD database with a low frequency of 0.017% in the Latino/admixed American subpopulation (dbSNP rs762584289). The p.Arg50Ser change affects a poorly conserved amino acid residue located in a domain of the HAX1 protein that is known to be functional. In-silico pathogenicity prediction tools (SIFT, PolyPhen2, Align GVGD, REVEL) provide contradictory results for the p.Arg50Ser substitution. Due to insufficient evidence and lack of functional studies, the clinical significance of the p.Arg50Ser change remains unknown at this time.

Natera, Inc.
Classification: Uncertain significance for Autosomal recessive severe congenital neutropenia type 3. Last evaluated: 2020-02-13. Review status: no assertion criteria provided. Collection method: clinical testing. Allele origin: germline. Not counted in ClinVar's aggregate classification.

NM_006118.4(HAX1):c.150G>T (p.Arg50Ser)

Gene: HAX1 (HCLS1 associated protein X-1; plus strand). Cytogenetic location: 1q21.3.
Variant type: single nucleotide variant.
Coding change: c.150G>T on transcript NM_006118.4 (MANE Select); coding-DNA position 150, G replaced by T.
Protein change: p.Arg50Ser; replaces arginine 50 with serine.
Molecular consequence: missense variant. On other transcripts: intron variant (1).
Genome position (GRCh38, 1-based): chr1:154,273,432, G>T. VCF-style: chr1-154273432-G-T. GRCh37 (hg19) VCF-style: chr1-154245908-G-T.
Other names: c.54-48G>T (NM_001018837.2); short protein forms R50S.
Identifiers: ClinVar variation 1020543 (VCV001020543.12), dbSNP rs762584289, ClinGen allele CA1127269.